The following is an entry in ClinVar:

ClinVar aggregate classification (germline): Conflicting classifications of pathogenicity. Review status: criteria provided, conflicting classifications (1 of 4 stars). 3 submissions from 3 submitters: Uncertain significance (2); Likely benign (1). Last evaluated 2025-02-08.

Conditions:
Inborn genetic diseases. Identifiers: MedGen C0950123, MeSH D030342.

Allele frequency attached by ClinVar (database versions not stated): gnomAD 0.00001; TOPMed 0.00001; ExAC 0.00003; gnomAD exomes 0.00003 and 0.00006.
gnomAD v4.1: 96 of 1,613,986 alleles (0.0059%); highest among the groups gnomAD compares: Non-Finnish European, 0.0078%; no homozygotes.

Submissions (3):

Ambry Genetics
Classification: Uncertain significance for Inborn genetic diseases. Last evaluated: 2025-02-08. Review status: criteria provided, single submitter. Criteria: Ambry Variant Classification Scheme 2023. Collection method: clinical testing. Allele origin: germline.

Blueprint Genetics
Classification: Likely benign. Last evaluated: 2023-05-09. Review status: criteria provided, single submitter. Criteria: ACMG Guidelines, 2015. Collection method: clinical testing. Allele origin: germline.

GeneDx
Classification: Uncertain significance. Last evaluated: 2022-03-31. Review status: criteria provided, single submitter. Criteria: GeneDx Variant Classification Process June 2021. Collection method: clinical testing. Allele origin: germline. Affected: yes.
Comment: In silico analysis supports that this missense variant does not alter protein structure/function; Has not been previously published as pathogenic or benign to our knowledge

NM_001371623.1(TCOF1):c.3563C>A (p.Ala1188Glu)

Gene: TCOF1 (treacle ribosome biogenesis factor 1; plus strand). Cytogenetic location: 5q32.
Variant type: single nucleotide variant.
Coding change: c.3563C>A on transcript NM_001371623.1 (MANE Select); coding-DNA position 3563, C replaced by A.
Protein change: p.Ala1188Glu; replaces alanine 1188 with glutamic acid.
Molecular consequence: missense variant.
Genome position (GRCh38, 1-based): chr5:150,392,750, C>A. VCF-style: chr5-150392750-C-A. GRCh37 (hg19) VCF-style: chr5-149772313-C-A.
Other names: c.3329C>A, p.Ala1110Glu (NM_000356.4); c.3560C>A, p.Ala1187Glu (NM_001135243.2); c.3449C>A, p.Ala1150Glu (NM_001135244.2); c.3332C>A, p.Ala1111Glu (NM_001135245.2); c.3446C>A, p.Ala1149Glu (NM_001195141.2); short protein forms A1110E, A1111E, A1149E, A1150E, A1187E, A1188E.
Identifiers: ClinVar variation 1313767 (VCV001313767.5), dbSNP rs760751494, ClinGen allele CA3511541.